The following is an entry in ClinVar:

NM_020699.4(GATAD2B):c.1624C>T (p.Pro542Ser)

Gene: GATAD2B (GATA zinc finger domain containing 2B; minus strand). Cytogenetic location: 1q21.3.
Variant type: single nucleotide variant.
Coding change: c.1624C>T on transcript NM_020699.4 (MANE Select); coding-DNA position 1624, C replaced by T.
Protein change: p.Pro542Ser; replaces proline 542 with serine.
Molecular consequence: missense variant.
Genome position (GRCh38, 1-based): chr1:153,811,755, G>A on the plus strand (C>T on the coding strand, the complement: GATAD2B is on the minus strand). VCF-style: chr1-153811755-G-A. GRCh37 (hg19) VCF-style: chr1-153784231-G-A.
Other names: short protein forms P542S.
Identifiers: ClinVar variation 1972483 (VCV001972483.5), dbSNP rs2525232662, ClinGen allele CA342580719.

ClinVar aggregate classification (germline): Uncertain significance (1 of 4 stars; one submission).

Allele frequency attached by ClinVar (database versions not stated): gnomAD exomes below 0.00001.
gnomAD v4.1: 2 of 1,610,296 alleles (0.00012%); highest among the groups gnomAD compares: Non-Finnish European, 0.00017%; no homozygotes.

Submission:

Labcorp Genetics (formerly Invitae), Labcorp
Classification: Uncertain significance. Last evaluated: 2024-03-05. Review status: criteria provided, single submitter. Criteria: Invitae Variant Classification Sherloc (09022015). Collection method: clinical testing. Allele origin: germline.
Comment: This sequence change replaces proline, which is neutral and non-polar, with serine, which is neutral and polar, at codon 542 of the GATAD2B protein (p.Pro542Ser). This variant is not present in population databases (gnomAD no frequency). This variant has not been reported in the literature in individuals affected with GATAD2B-related conditions. ClinVar contains an entry for this variant (Variation ID: 1972483). Advanced modeling of protein sequence and biophysical properties (such as structural, functional, and spatial information, amino acid conservation, physicochemical variation, residue mobility, and thermodynamic stability) performed at Invitae indicates that this missense variant is not expected to disrupt GATAD2B protein function with a negative predictive value of 80%. In summary, the available evidence is currently insufficient to determine the role of this variant in disease. Therefore, it has been classified as a Variant of Uncertain Significance.